The following is an entry in ClinVar:

NM_006122.4(MAN2A2):c.2537C>T (p.Ala846Val)

Gene: MAN2A2 (mannosidase alpha class 2A member 2; plus strand). Cytogenetic location: 15q26.1.
Variant type: single nucleotide variant.
Coding change: c.2537C>T on transcript NM_006122.4 (MANE Select); coding-DNA position 2537, C replaced by T.
Protein change: p.Ala846Val; replaces alanine 846 with valine.
Molecular consequence: missense variant. On other transcripts: non-coding transcript variant (3).
Genome position (GRCh38, 1-based): chr15:90,912,944, C>T. VCF-style: chr15-90912944-C-T. GRCh37 (hg19) VCF-style: chr15-91456174-C-T.
Other names: c.2537C>T, p.Ala846Val (NM_001320977.2); short protein forms A846V.
Identifiers: ClinVar variation 2595428 (VCV002595428.26), dbSNP rs746738031, ClinGen allele CA7741843.
Genomic context (GRCh38, chr15:90,912,944, plus strand): 5'-TCCCCAAGGAGCCCCCCGTGCTGCGTGTCACTGAAGGCCCTTTCTTCTCAGAGGTGGTTG[C>T]GTACTATGAGCACATTCACCAGGCGGTCCGGCTTTACAATCTGCCAGGTGAGCCCTGCAT-3'
Protein context (NP_006113.2, residues 836-856): TEGPFFSEVV[Ala846Val]YYEHIHQAVR

ClinVar aggregate classification (germline): Conflicting classifications of pathogenicity. Review status: criteria provided, conflicting classifications (1 of 4 stars). 2 submissions from 2 submitters: Uncertain significance (1); Likely benign (1). Last evaluated 2023-08-15.

Allele frequency attached by ClinVar (database versions not stated): ExAC 0.00001; gnomAD 0.00001; TOPMed 0.00002.
gnomAD v4.1: 20 of 1,613,970 alleles (0.0012%); highest among the groups gnomAD compares: African/African-American, 0.0067%; no homozygotes.

Submissions (2):

Ambry Genetics
Classification: Uncertain significance. Last evaluated: 2023-08-15. Review status: criteria provided, single submitter. Criteria: Ambry Variant Classification Scheme 2023. Collection method: clinical testing. Allele origin: germline.

CeGaT Center for Human Genetics Tuebingen
Classification: Likely benign. Last evaluated: 2022-07-01. Review status: criteria provided, single submitter. Criteria: CeGaT Center For Human Genetics Tuebingen Variant Classification Criteria Version 2. Collection method: clinical testing. Allele origin: germline. Affected: yes. Observed: 1 variant allele.
Comment: MAN2A2: BP4